The following is an entry in ClinVar:

ClinVar aggregate classification (germline): Pathogenic (1 of 4 stars; one submission).

Conditions:
Deficiency of acetyl-CoA acetyltransferase. Also called: Beta-ketothiolase deficiency; MITOCHONDRIAL ACETOACETYL-CoA THIOLASE DEFICIENCY; 3-KETOTHIOLASE DEFICIENCY; 3-OXOTHIOLASE DEFICIENCY. Identifiers: Orphanet 134, MedGen C1536500, MONDO:0008760, OMIM 203750. Disease mechanism: loss of function.

Submission:

Labcorp Genetics (formerly Invitae), Labcorp
Classification: Pathogenic for Deficiency of acetyl-CoA acetyltransferase. Last evaluated: 2021-06-24. Review status: criteria provided, single submitter. Criteria: Invitae Variant Classification Sherloc (09022015). Collection method: clinical testing. Allele origin: germline.
Comment: This variant is an out-of-frame deletion of the genomic region encompassing exons 6-7 of the ACAT1 gene. This is expected to create a premature translational stop signal and result in an absent or disrupted protein product. This variant has not been reported in the literature in individuals with ACAT1-related disease. Loss-of-function variants in ACAT1 are known to be pathogenic (PMID: 7749408). For these reasons, this variant has been classified as Pathogenic.

Literature cited by the submitters: PubMed 7749408.

NC_000011.10:g.(?_108138888)_(108140225_?)del

Gene: ACAT1 (acetyl-CoA acetyltransferase 1; plus strand). Cytogenetic location: 11q22.3.
Variant type: Deletion.
Identifiers: ClinVar variation 656823 (VCV000656823.4).